The following is an entry in ClinVar:

ClinVar aggregate classification (germline): Benign (0 of 4 stars; one submission).

Conditions:
BEST1-related disorder. Also called: BEST1-related condition; BEST1-related disorders. Identifiers: MedGen CN239200.

gnomAD v4.1: 1,474 of 1,612,814 alleles (0.091%); highest among the groups gnomAD compares: South Asian, 1.6%; 31 homozygotes.

Submission:

PreventionGenetics, part of Exact Sciences
Classification: Benign for BEST1-related condition. Last evaluated: 2024-09-05. Review status: no assertion criteria provided. Collection method: clinical testing. Allele origin: germline.
Comment: This variant is classified as benign based on ACMG/AMP sequence variant interpretation guidelines (Richards et al. 2015 PMID: 25741868, with internal and published modifications).

NM_004183.4(BEST1):c.1739+74C>A

Gene: BEST1 (bestrophin 1; plus strand). Cytogenetic location: 11q12.3.
Variant type: single nucleotide variant.
Coding change: c.1739+74C>A on transcript NM_004183.4 (MANE Select); 74 bases into the intron after coding-DNA position 1739, C replaced by A.
Molecular consequence: intron variant. On other transcripts: missense variant (3).
Genome position (GRCh38, 1-based): chr11:61,962,967, C>A. VCF-style: chr11-61962967-C-A. GRCh37 (hg19) VCF-style: chr11-61730439-C-A.
Other names: c.1633C>A, p.Pro545Thr (NM_001139443.3); c.1495C>A, p.Pro499Thr (NM_001363591.3); c.*708C>A (NM_001363592.2); c.841C>A, p.Pro281Thr (NM_001363593.3); c.1559+74C>A (NM_001300787.2); c.1478+74C>A (NM_001300786.2); short protein forms P281T, P499T, P545T.
Identifiers: ClinVar variation 3355013 (VCV003355013.1).